The following continues an entry in ClinVar:

NM_000059.4(BRCA2):c.6600_6601del (p.Phe2200_Ser2201insTer)

Gene: BRCA2. ClinVar aggregate classification (germline): Pathogenic. Pathogenic (1).

Submissions 11 to 14 of 14:

Consortium of Investigators of Modifiers of BRCA1/2 (CIMBA), c/o University of Cambridge
Classification: Pathogenic for Breast-ovarian cancer, familial, susceptibility to, 2. Last evaluated: 2015-10-02. Review status: criteria provided, single submitter. Criteria: CIMBA Mutation Classification guidelines May 2016. Collection method: clinical testing. Allele origin: germline. Not counted in ClinVar's aggregate classification.

PreventionGenetics, part of Exact Sciences
Classification: Pathogenic for BRCA2-related condition. Last evaluated: 2024-03-07. Review status: no assertion criteria provided. Collection method: clinical testing. Allele origin: germline. Not counted in ClinVar's aggregate classification.
Comment: The BRCA2 c.6600_6601delTT variant is predicted to result in premature protein termination (p.Ser2201*). This variant has been reported in multiple individuals with breast cancer (see for example, Table 3, Haffty et al. 2009. PubMed ID: 19491284; Table S1, Park et al. 2017. PubMed ID: 28111427; Table 2, Konstantopoulou et al. 2013. PubMed ID: 24010542). This variant is reported in 0.0030% of alleles in individuals of Latino descent in gnomAD. This variant has been classified as pathogenic by an expert panel in the ClinVar database. Nonsense variants in BRCA2 are expected to be pathogenic. This variant is interpreted as pathogenic.

Sharing Clinical Reports Project (SCRP)
Classification: Pathogenic for Breast-ovarian cancer, familial 2. Last evaluated: 2010-12-22. Review status: no assertion criteria provided. Collection method: clinical testing. Allele origin: germline. Not counted in ClinVar's aggregate classification.

Breast Cancer Information Core (BIC) (BRCA2)
Classification: Pathogenic for Breast-ovarian cancer, familial 2. Last evaluated: 2004-02-20. Review status: no assertion criteria provided. Collection method: clinical testing. Allele origin: germline. Affected: yes. Observed: 2 variant alleles. Not counted in ClinVar's aggregate classification.

Literature cited by the submitters: PubMed 20104584 (cited by Labcorp Genetics (formerly Invitae), Labcorp); PubMed 19491284 (cited by 5 submitters); PubMed 30425037 (cited by Quest Diagnostics Nichols Institute San Juan Capistrano and Women's Health and Genetics/Laboratory Corporation of America, LabCorp); PubMed 29884136 (cited by 3 submitters); PubMed 26300996 (cited by Quest Diagnostics Nichols Institute San Juan Capistrano and Women's Health and Genetics/Laboratory Corporation of America, LabCorp); PubMed 24010542 (cited by 4 submitters); PubMed 22798144 (cited by 4 submitters); PubMed 29446198 (cited by Quest Diagnostics Nichols Institute San Juan Capistrano and Ambry Genetics); PubMed 28111427 (cited by Quest Diagnostics Nichols Institute San Juan Capistrano and Ambry Genetics); PubMed 34645131 (cited by Quest Diagnostics Nichols Institute San Juan Capistrano); PubMed 29922827 (cited by Quest Diagnostics Nichols Institute San Juan Capistrano); PubMed 32719484 (cited by Quest Diagnostics Nichols Institute San Juan Capistrano); PubMed 31447099 (cited by Quest Diagnostics Nichols Institute San Juan Capistrano); PubMed 30720243 (cited by Quest Diagnostics Nichols Institute San Juan Capistrano); PubMed 38709234 (cited by Quest Diagnostics Nichols Institute San Juan Capistrano); PubMed 27153395 (cited by Quest Diagnostics Nichols Institute San Juan Capistrano); PubMed 28179634 (cited by Women's Health and Genetics/Laboratory Corporation of America, LabCorp).